The following is an entry in ClinVar:

NM_019032.6(ADAMTSL4):c.2341C>T (p.Arg781Cys)

Gene: ADAMTSL4 (ADAMTS like 4; plus strand). Cytogenetic location: 1q21.2.
Variant type: single nucleotide variant.
Coding change: c.2341C>T on transcript NM_019032.6 (MANE Select); coding-DNA position 2341, C replaced by T.
Protein change: p.Arg781Cys; replaces arginine 781 with cysteine.
Molecular consequence: missense variant.
Genome position (GRCh38, 1-based): chr1:150,558,108, C>T. VCF-style: chr1-150558108-C-T. GRCh37 (hg19) VCF-style: chr1-150530584-C-T.
Other names: c.2224C>T, p.Arg742Cys (NM_001288607.2); c.2410C>T, p.Arg804Cys (NM_001288608.2); c.2341C>T, p.Arg781Cys (NM_001378596.1, NM_025008.5); short protein forms R742C, R781C, R804C.
Identifiers: ClinVar variation 992534 (VCV000992534.6), dbSNP rs149442347, ClinGen allele CA1078626.

ClinVar aggregate classification (germline): Uncertain significance. Review status: criteria provided, multiple submitters, no conflicts (2 of 4 stars). 4 submissions from 3 submitters: Uncertain significance (4). Last evaluated 2023-04-11.

Conditions:
Ectopia lentis et pupillae. Also called: ECTOPIA LENTIS WITH ECTOPIA OF PUPIL. Identifiers: Orphanet 1885, MedGen C1644196, MONDO:0009153, OMIM 225200.
Ectopia lentis 2, isolated, autosomal recessive (ECTOL2). Identifiers: Orphanet 1885, MedGen C3541474, MONDO:0009152, OMIM 225100.

Allele frequency attached by ClinVar (database versions not stated): ExAC 0.00008; TOPMed 0.00010; gnomAD 0.00012 and 0.00013; gnomAD exomes 0.00012 and 0.00014; ESP Exome Variant Server 0.00023; 1000 Genomes Project 30x 0.00031; 1000 Genomes Project 0.00040.
gnomAD v4.1: 225 of 1,613,332 alleles (0.014%); highest among the groups gnomAD compares: Admixed American, 0.028%; no homozygotes.

Submissions (4):

Genome-Nilou Lab
Classification: Uncertain significance for Ectopia lentis et pupillae. Last evaluated: 2023-04-11. Review status: criteria provided, single submitter. Criteria: ACMG Guidelines, 2015. Collection method: clinical testing. Allele origin: germline. Affected: no.

Genome-Nilou Lab
Classification: Uncertain significance for Ectopia lentis 2, isolated, autosomal recessive. Last evaluated: 2023-04-11. Review status: criteria provided, single submitter. Criteria: ACMG Guidelines, 2015. Collection method: clinical testing. Allele origin: germline. Affected: no.

Labcorp Genetics (formerly Invitae), Labcorp
Classification: Uncertain significance. Last evaluated: 2022-10-24. Review status: criteria provided, single submitter. Criteria: Invitae Variant Classification Sherloc (09022015). Collection method: clinical testing. Allele origin: germline.
Comment: This sequence change replaces arginine, which is basic and polar, with cysteine, which is neutral and slightly polar, at codon 781 of the ADAMTSL4 protein (p.Arg781Cys). This variant is present in population databases (rs149442347, gnomAD 0.04%). This variant has not been reported in the literature in individuals affected with ADAMTSL4-related conditions. ClinVar contains an entry for this variant (Variation ID: 992534). Advanced modeling of protein sequence and biophysical properties (such as structural, functional, and spatial information, amino acid conservation, physicochemical variation, residue mobility, and thermodynamic stability) performed at Invitae indicates that this missense variant is not expected to disrupt ADAMTSL4 protein function. In summary, the available evidence is currently insufficient to determine the role of this variant in disease. Therefore, it has been classified as a Variant of Uncertain Significance.

Center for Genomics, Ann and Robert H. Lurie Children's Hospital of Chicago
Classification: Uncertain significance for Ectopia lentis et pupillae; Ectopia lentis 2, isolated, autosomal recessive. Review status: criteria provided, single submitter. Criteria: ACMG Guidelines, 2015. Collection method: clinical testing. Allele origin: germline.
Comment: ADAMTSL4 NM_019032.5 exon 14 p.Arg781Cys (c.2341C>T): This variant has not been reported in the literature but is present in 0.03% (13/35410) of Latino alleles in the Genome Aggregation Database. Evolutionary conservation predicts that this variant may not impact the protein. However, computational predictive tools suggest that this variant may impact the protein. In summary, data on this variant is insufficient for disease classification. Therefore, the clinical significance of this variant is uncertain.